The following is an entry in ClinVar:

ClinVar aggregate classification (germline): Likely benign (1 of 4 stars; one submission).

gnomAD v4.1: 205 of 1,601,476 alleles (0.013%); highest among the groups gnomAD compares: South Asian, 0.21%; 4 homozygotes.

Submission:

CeGaT Center for Human Genetics Tuebingen
Classification: Likely benign. Last evaluated: 2025-11-01. Review status: criteria provided, single submitter. Criteria: CeGaT Center For Human Genetics Tuebingen Variant Classification Criteria Version 2. Collection method: clinical testing. Allele origin: germline. Affected: yes. Observed: 1 variant allele.
Comment: HERC1: BP4, BS2

NM_003922.4(HERC1):c.6226-7A>G

Gene: HERC1 (HECT and RLD domain containing E3 ubiquitin protein ligase family member 1; minus strand). Cytogenetic location: 15q22.31.
Variant type: single nucleotide variant.
Coding change: c.6226-7A>G on transcript NM_003922.4 (MANE Select); 7 bases into the intron before coding-DNA position 6226, A replaced by G.
Molecular consequence: intron variant.
Genome position (GRCh38, 1-based): chr15:63,680,783, T>C on the plus strand (A>G on the coding strand, the complement: HERC1 is on the minus strand). VCF-style: chr15-63680783-T-C. GRCh37 (hg19) VCF-style: chr15-63972982-T-C.
Identifiers: ClinVar variation 4681576 (VCV004681576.5).